The following is an entry in ClinVar:

NM_024675.4(PALB2):c.619C>A (p.Pro207Thr)

Gene: PALB2 (partner and localizer of BRCA2; minus strand). Cytogenetic location: 16p12.2.
Variant type: single nucleotide variant.
Coding change: c.619C>A on transcript NM_024675.4 (MANE Select); coding-DNA position 619, C replaced by A.
Protein change: p.Pro207Thr; replaces proline 207 with threonine.
Molecular consequence: missense variant.
Genome position (GRCh38, 1-based): chr16:23,635,927, G>T on the plus strand (C>A on the coding strand, the complement: PALB2 is on the minus strand). VCF-style: chr16-23635927-G-T. GRCh37 (hg19) VCF-style: chr16-23647248-G-T.
Other names: short protein forms P207T.
Identifiers: ClinVar variation 410111 (VCV000410111.10), dbSNP rs374090568, ClinGen allele CA16615108.
Genomic context (GRCh38, chr16:23,635,927, plus strand): 5'-CAGTTGGTGGAATTAATACACTGTCTTCATTAATTTCTGTAACTGGTTCTGGAGAATCTG[G>T]AAGTTCAGATTTAAGACTTAAAAGGTGAGTTCTTATTTCAGTTACTGGTGATCTAGCAGG-3'
Protein context (NP_078951.2, residues 197-217): THLLSLKSEL[Pro207Thr]DSPEPVTEIN

ClinVar aggregate classification (germline): Uncertain significance (1 of 4 stars; one submission).

Conditions:
Familial cancer of breast. Also called: BREAST CANCER, FAMILIAL; Hereditary breast cancer; hereditary breast carcinoma. Identifiers: Orphanet 227535, MedGen C0346153, MONDO:0016419, OMIM 114480. Disease mechanism: loss of function.

Submission:

Labcorp Genetics (formerly Invitae), Labcorp
Classification: Uncertain significance for Familial cancer of breast. Last evaluated: 2025-08-18. Review status: criteria provided, single submitter. Criteria: Invitae Variant Classification Sherloc (09022015). Collection method: clinical testing. Allele origin: germline.
Comment: This sequence change replaces proline, which is neutral and non-polar, with threonine, which is neutral and polar, at codon 207 of the PALB2 protein (p.Pro207Thr). This variant is not present in population databases (gnomAD no frequency). This variant has not been reported in the literature in individuals affected with PALB2-related conditions. ClinVar contains an entry for this variant (Variation ID: 410111). An algorithm developed to predict the effect of missense changes on protein structure and function (PolyPhen-2) suggests that this variant is likely to be disruptive. In summary, the available evidence is currently insufficient to determine the role of this variant in disease. Therefore, it has been classified as a Variant of Uncertain Significance.